The following is an entry in ClinVar:

NM_001242896.3(DEPDC5):c.3278_3279del (p.Phe1093fs)

Gene: DEPDC5 (DEP domain containing 5, GATOR1 subcomplex subunit; plus strand). Cytogenetic location: 22q12.3.
Variant type: Deletion.
Coding change: c.3278_3279del on transcript NM_001242896.3 (MANE Select); coding-DNA positions 3278 to 3279, 2 bases deleted (TT; older notation c.3278_3279delTT).
Protein change: p.Phe1093fs; shifts the reading frame from phenylalanine 1093.
Molecular consequence: frameshift variant. On other transcripts: intron variant (5), non-coding transcript variant (2).
Genome position (GRCh38, 1-based): chr22:31,861,381-31,861,382, TT deleted; deleting any 2 consecutive bases within chr22:31,861,380-31,861,382 gives the same sequence; the c. name uses the placement nearest the transcript's 3' end. VCF-style (leftmost placement, unchanged base first): chr22-31861379-CTT-C. GRCh37 (hg19) VCF-style: chr22-32257365-CTT-C.
Other names: c.3237+3828_3237+3829del (NM_014662.6, NM_001369903.1); c.3264+3828_3264+3829del (NM_001363852.2, NM_001364320.2); c.3030+3828_3030+3829del (NM_001242897.2); c.3251_3252del, p.Phe1084fs (NM_001136029.4); c.3044_3045del, p.Phe1015fs (NM_001363854.2, NM_001364319.2); c.3278_3279del, p.Phe1093fs (NM_001364318.2); c.3194_3195del, p.Phe1065fs (NM_001369901.1, NM_001369902.1); short protein forms F1015fs, F1084fs, F1093fs, F1065fs.
Identifiers: ClinVar variation 2757458 (VCV002757458.3), dbSNP rs2521559588, ClinGen allele CA2697552711.

ClinVar aggregate classification (germline): Pathogenic (1 of 4 stars; one submission).

Conditions:
Familial focal epilepsy with variable foci (FPEVF). Identifiers: Orphanet 98820, MedGen C1858477, MONDO:0020310.

Submission:

Labcorp Genetics (formerly Invitae), Labcorp
Classification: Pathogenic for Familial focal epilepsy with variable foci. Last evaluated: 2023-10-22. Review status: criteria provided, single submitter. Criteria: Invitae Variant Classification Sherloc (09022015). Collection method: clinical testing. Allele origin: germline.
Comment: This sequence change creates a premature translational stop signal (p.Phe1093Tyrfs*67) in the DEPDC5 gene. It is expected to result in an absent or disrupted protein product. Loss-of-function variants in DEPDC5 are known to be pathogenic (PMID: 23542697, 23542701). This variant is not present in population databases (gnomAD no frequency). This variant has not been reported in the literature in individuals affected with DEPDC5-related conditions. For these reasons, this variant has been classified as Pathogenic.

Literature cited by the submitters: PubMed 23542697; PubMed 23542701.